The following is an entry in ClinVar:

ClinVar aggregate classification (germline): Uncertain significance (1 of 4 stars; one submission).

Conditions:
Inborn genetic diseases. Identifiers: MedGen C0950123, MeSH D030342.

Allele frequency attached by ClinVar (database versions not stated): gnomAD exomes below 0.00001.
gnomAD v4.1: 2 of 1,614,158 alleles (0.00012%); highest among the groups gnomAD compares: African/African-American, 0.0013%; no homozygotes.

Submission:

Ambry Genetics
Classification: Uncertain significance for Inborn genetic diseases. Last evaluated: 2023-08-29. Review status: criteria provided, single submitter. Criteria: Ambry Variant Classification Scheme 2023. Collection method: clinical testing. Allele origin: germline.
Comment: The p.D258H variant (also known as c.772G>C), located in coding exon 6 of the EPAS1 gene, results from a G to C substitution at nucleotide position 772. The aspartic acid at codon 258 is replaced by histidine, an amino acid with similar properties. This amino acid position is conserved. In addition, this alteration is predicted to be deleterious by in silico analysis. Since supporting evidence is limited at this time, the clinical significance of this alteration remains unclear.

NM_001430.5(EPAS1):c.772G>C (p.Asp258His)

Genes: EPAS1 (endothelial PAS domain protein 1; plus strand), LOC126806210 (BRD4-independent group 4 enhancer GRCh37_chr2:46587586-46588785; plus strand). Cytogenetic location: 2p21.
Variant type: single nucleotide variant.
Coding change: c.772G>C on transcript NM_001430.5 (MANE Select); coding-DNA position 772, G replaced by C.
Protein change: p.Asp258His; replaces aspartic acid 258 with histidine.
Molecular consequence: missense variant.
Genome position (GRCh38, 1-based): chr2:46,361,083, G>C. VCF-style: chr2-46361083-G-C. GRCh37 (hg19) VCF-style: chr2-46588222-G-C.
Other names: short protein forms D258H.
Identifiers: ClinVar variation 1760354 (VCV001760354.3), dbSNP rs2103637389, ClinGen allele CA346700434.